The following is an entry in ClinVar:

NM_001267550.2(TTN):c.61254G>C (p.Trp20418Cys)

Genes: TTN (titin; minus strand), TTN-AS1 (TTN antisense RNA 1; plus strand). Cytogenetic location: 2q31.2.
Variant type: single nucleotide variant.
Coding change: c.61254G>C on transcript NM_001267550.2 (MANE Select); coding-DNA position 61254, G replaced by C.
Protein change: p.Trp20418Cys; replaces tryptophan 20418 with cysteine.
Molecular consequence: missense variant.
Genome position (GRCh38, 1-based): chr2:178,590,471, C>G on the plus strand (G>C on the coding strand, the complement: TTN is on the minus strand). VCF-style: chr2-178590471-C-G. GRCh37 (hg19) VCF-style: chr2-179455198-C-G.
Other names: c.56331G>C, p.Trp18777Cys (NM_001256850.1); c.34059G>C, p.Trp11353Cys (NM_003319.4); c.53550G>C, p.Trp17850Cys (NM_133378.4); c.34434G>C, p.Trp11478Cys (NM_133432.3); c.34635G>C, p.Trp11545Cys (NM_133437.4); short protein forms W11353C, W11478C, W11545C, W17850C, W18777C, W20418C.
Identifiers: ClinVar variation 2651624 (VCV002651624.24), dbSNP rs2469437456, ClinGen allele CA349474534.

ClinVar aggregate classification (germline): Uncertain significance (1 of 4 stars; one submission).

Submission:

CeGaT Center for Human Genetics Tuebingen
Classification: Uncertain significance. Last evaluated: 2023-07-01. Review status: criteria provided, single submitter. Criteria: CeGaT Center For Human Genetics Tuebingen Variant Classification Criteria Version 2. Collection method: clinical testing. Allele origin: germline. Affected: yes. Observed: 1 variant allele.
Comment: TTN: PM2